The following is an entry in ClinVar:

NM_000091.5(COL4A3):c.4204C>A (p.Pro1402Thr)

Genes: COL4A3 (collagen type IV alpha 3 chain; plus strand), MFF-DT (MFF divergent transcript; minus strand). Cytogenetic location: 2q36.3.
Variant type: single nucleotide variant.
Coding change: c.4204C>A on transcript NM_000091.5 (MANE Select); coding-DNA position 4204, C replaced by A.
Protein change: p.Pro1402Thr; replaces proline 1402 with threonine.
Molecular consequence: missense variant.
Genome position (GRCh38, 1-based): chr2:227,305,035, C>A. VCF-style: chr2-227305035-C-A. GRCh37 (hg19) VCF-style: chr2-228169751-C-A.
Other names: short protein forms P1402T.
Identifiers: ClinVar variation 3899623 (VCV003899623.1).
Genomic context (GRCh38, chr2:227,305,035, plus strand): 5'-TTTTGCCTAGGACCCTGTGGGCCAAGAGGTAAGCCAGGCAAGGATGGAAAACCAGGAACT[C>A]CTGGACCAGCTGGAGAAAAAGGCAACAAAGGTTCTAAAGGAGAGCCAGGTAAACCCCCAG-3'
Protein context (NP_000082.2, residues 1392-1412): KPGKDGKPGT[Pro1402Thr]GPAGEKGNKG

ClinVar aggregate classification (germline): Uncertain significance (1 of 4 stars; one submission).

gnomAD v4.1: 4 of 1,613,990 alleles (0.00025%); highest among the groups gnomAD compares: South Asian, 0.0011%; no homozygotes.

Submission:

GeneDx
Classification: Uncertain significance. Last evaluated: 2024-11-13. Review status: criteria provided, single submitter. Criteria: GeneDx Variant Classification Process June 2021. Collection method: clinical testing. Allele origin: germline. Affected: yes.
Comment: Not observed at significant frequency in large population cohorts (gnomAD); In silico analysis indicates that this missense variant does not alter protein structure/function; Has not been previously published as pathogenic or benign to our knowledge; Occurs in the triple helical domain at the Y position in the canonical Gly-X-Y repeat; although this variant may have an effect on normal protein folding and function, missense substitution at the Y position is not a common mechanism of disease